The following is an entry in ClinVar:

NM_001365951.3(KIF1B):c.5039G>A (p.Arg1680Gln)

Gene: KIF1B (kinesin family member 1B; plus strand). Cytogenetic location: 1p36.22.
Variant type: single nucleotide variant.
Coding change: c.5039G>A on transcript NM_001365951.3 (MANE Select); coding-DNA position 5039, G replaced by A.
Protein change: p.Arg1680Gln; replaces arginine 1680 with glutamine.
Molecular consequence: missense variant.
Genome position (GRCh38, 1-based): chr1:10,374,408, G>A. VCF-style: chr1-10374408-G-A. GRCh37 (hg19) VCF-style: chr1-10434466-G-A.
Other names: c.5039G>A, p.Arg1680Gln (NM_001365952.1); c.4901G>A, p.Arg1634Gln (NM_015074.3); short protein forms R1634Q, R1680Q.
Identifiers: ClinVar variation 1046940 (VCV001046940.14), dbSNP rs775552504, ClinGen allele CA582253.
Genomic context (GRCh38, chr1:10,374,408, plus strand): 5'-CCTGCCCAGAATTTGAACAGTTTCAGATTGTCCCAGCTGTGGAAACACCATATTTGGCCC[G>A]AGCAGGAAAAAACGAATTTCTCAATCTTGTTCCAGATATTGAAGAAATTAGACCAAGGTG-3'
Protein context (NP_001352880.1, residues 1670-1690): VPAVETPYLA[Arg1680Gln]AGKNEFLNLV

ClinVar aggregate classification (germline): Uncertain significance. Review status: criteria provided, multiple submitters, no conflicts (2 of 4 stars). 3 submissions from 3 submitters: Uncertain significance (3). Last evaluated 2025-04-12.

Conditions:
Charcot-Marie-Tooth disease type 2. Also called: Charcot-Marie-Tooth type 2. Identifiers: Orphanet 64746, MedGen C0270914, MONDO:0018993.

Allele frequency attached by ClinVar (database versions not stated): gnomAD 0.00002; TOPMed 0.00002.
gnomAD v4.1: 27 of 1,614,004 alleles (0.0017%); highest among the groups gnomAD compares: South Asian, 0.0033%; no homozygotes.

Submissions (3):

Ambry Genetics
Classification: Uncertain significance. Last evaluated: 2025-04-12. Review status: criteria provided, single submitter. Criteria: Ambry Variant Classification Scheme 2023. Collection method: clinical testing. Allele origin: germline.
Comment: The p.R1634Q variant (also known as c.4901G>A), located in coding exon 43 of the KIF1B gene, results from a G to A substitution at nucleotide position 4901. The arginine at codon 1634 is replaced by glutamine, an amino acid with highly similar properties. This amino acid position is highly conserved in available vertebrate species. In addition, this alteration is predicted to be tolerated by in silico analysis. The evidence for this gene-disease relationship is limited; therefore, the clinical significance of this alteration is unclear.

Labcorp Genetics (formerly Invitae), Labcorp
Classification: Uncertain significance for Charcot-Marie-Tooth disease type 2. Last evaluated: 2024-03-09. Review status: criteria provided, single submitter. Criteria: Invitae Variant Classification Sherloc (09022015). Collection method: clinical testing. Allele origin: germline.
Comment: This sequence change replaces arginine, which is basic and polar, with glutamine, which is neutral and polar, at codon 1634 of the KIF1B protein (p.Arg1634Gln). The frequency data for this variant in the population databases is considered unreliable, as metrics indicate poor data quality at this position in the gnomAD database. This variant has not been reported in the literature in individuals affected with KIF1B-related conditions. ClinVar contains an entry for this variant (Variation ID: 1046940). An algorithm developed to predict the effect of missense changes on protein structure and function (PolyPhen-2) suggests that this variant is likely to be tolerated. In summary, the available evidence is currently insufficient to determine the role of this variant in disease. Therefore, it has been classified as a Variant of Uncertain Significance.

Institute for Clinical Genetics, University Hospital TU Dresden, University Hospital TU Dresden
Classification: Uncertain significance. Last evaluated: 2021-11-03. Review status: criteria provided, single submitter. Criteria: ACMG Guidelines, 2015. Collection method: clinical testing. Allele origin: germline.